The following is an entry in ClinVar:

NM_004855.5(PIGB):c.1499C>G (p.Thr500Ser)

Gene: PIGB (phosphatidylinositol glycan anchor biosynthesis class B; plus strand). Cytogenetic location: 15q21.3.
Variant type: single nucleotide variant.
Coding change: c.1499C>G on transcript NM_004855.5 (MANE Select); coding-DNA position 1499, C replaced by G.
Protein change: p.Thr500Ser; replaces threonine 500 with serine.
Molecular consequence: missense variant.
Genome position (GRCh38, 1-based): chr15:55,354,959, C>G. VCF-style: chr15-55354959-C-G. GRCh37 (hg19) VCF-style: chr15-55647157-C-G.
Other names: short protein forms T500S.
Identifiers: ClinVar variation 2007184 (VCV002007184.4), dbSNP rs1415739793, ClinGen allele CA392544236.

ClinVar aggregate classification (germline): Uncertain significance (1 of 4 stars; one submission).

Submission:

Labcorp Genetics (formerly Invitae), Labcorp
Classification: Uncertain significance. Last evaluated: 2022-06-26. Review status: criteria provided, single submitter. Criteria: Invitae Variant Classification Sherloc (09022015). Collection method: clinical testing. Allele origin: germline.
Comment: This sequence change replaces threonine, which is neutral and polar, with serine, which is neutral and polar, at codon 500 of the PIGB protein (p.Thr500Ser). This variant is not present in population databases (gnomAD no frequency). This variant has not been reported in the literature in individuals affected with PIGB-related conditions. Algorithms developed to predict the effect of missense changes on protein structure and function (SIFT, PolyPhen-2, Align-GVGD) all suggest that this variant is likely to be tolerated. In summary, the available evidence is currently insufficient to determine the role of this variant in disease. Therefore, it has been classified as a Variant of Uncertain Significance.